The following is an entry in ClinVar:

NM_000440.3(PDE6A):c.1923C>G (p.Asp641Glu)

Gene: PDE6A (phosphodiesterase 6A; minus strand). Cytogenetic location: 5q32.
Variant type: single nucleotide variant.
Coding change: c.1923C>G on transcript NM_000440.3 (MANE Select); coding-DNA position 1923, C replaced by G.
Protein change: p.Asp641Glu; replaces aspartic acid 641 with glutamic acid.
Molecular consequence: missense variant.
Genome position (GRCh38, 1-based): chr5:149,884,783, G>C on the plus strand (C>G on the coding strand, the complement: PDE6A is on the minus strand). VCF-style: chr5-149884783-G-C. GRCh37 (hg19) VCF-style: chr5-149264346-G-C.
Other names: short protein forms D641E.
Identifiers: ClinVar variation 1055510 (VCV001055510.10), dbSNP rs758696476, ClinGen allele CA361693438.

ClinVar aggregate classification (germline): Uncertain significance (1 of 4 stars; one submission).

gnomAD v4.1: 2 of 1,613,728 alleles (0.00012%); highest among the groups gnomAD compares: Non-Finnish European, 0.000085%; no homozygotes.

Submission:

Labcorp Genetics (formerly Invitae), Labcorp
Classification: Uncertain significance. Last evaluated: 2023-07-10. Review status: criteria provided, single submitter. Criteria: Invitae Variant Classification Sherloc (09022015). Collection method: clinical testing. Allele origin: germline.
Comment: In summary, the available evidence is currently insufficient to determine the role of this variant in disease. Therefore, it has been classified as a Variant of Uncertain Significance. Advanced modeling of protein sequence and biophysical properties (such as structural, functional, and spatial information, amino acid conservation, physicochemical variation, residue mobility, and thermodynamic stability) performed at Invitae indicates that this missense variant is not expected to disrupt PDE6A protein function. ClinVar contains an entry for this variant (Variation ID: 1055510). This variant has not been reported in the literature in individuals affected with PDE6A-related conditions. This variant is present in population databases (no rsID available, gnomAD 0.0009%). This sequence change replaces aspartic acid, which is acidic and polar, with glutamic acid, which is acidic and polar, at codon 641 of the PDE6A protein (p.Asp641Glu).